The following is an entry in ClinVar:

NM_019066.5(MAGEL2):c.3532G>A (p.Ala1178Thr)

Gene: MAGEL2 (MAGE family member L2; minus strand). Cytogenetic location: 15q11.2.
Variant type: single nucleotide variant.
Coding change: c.3532G>A on transcript NM_019066.5 (MANE Select); coding-DNA position 3532, G replaced by A.
Protein change: p.Ala1178Thr; replaces alanine 1178 with threonine.
Molecular consequence: missense variant.
Genome position (GRCh38, 1-based): chr15:23,644,211, C>T on the plus strand (G>A on the coding strand, the complement: MAGEL2 is on the minus strand). VCF-style: chr15-23644211-C-T. GRCh37 (hg19) VCF-style: chr15-23889358-C-T.
Other names: c.3532G>A (NM_019066.4); short protein forms A1178T.
Identifiers: ClinVar variation 1986617 (VCV001986617.18), dbSNP rs749213689, ClinGen allele CA7429680.

ClinVar aggregate classification (germline): Uncertain significance. Review status: criteria provided, multiple submitters, no conflicts (2 of 4 stars). 3 submissions from 3 submitters: Uncertain significance (3). Last evaluated 2025-12-22.

Conditions:
MAGEL2-related disorder. Also called: MAGEL2-related condition.

Allele frequency attached by ClinVar (database versions not stated): gnomAD 0.00001; ExAC 0.00002; TOPMed 0.00002.
gnomAD v4.1: 16 of 1,613,706 alleles (0.00099%); highest among the groups gnomAD compares: African/African-American, 0.0067%; no homozygotes.

Submissions (3):

Labcorp Genetics (formerly Invitae), Labcorp
Classification: Uncertain significance. Last evaluated: 2025-12-22. Review status: criteria provided, single submitter. Criteria: Invitae Variant Classification Sherloc (09022015). Collection method: clinical testing. Allele origin: germline.
Comment: This sequence change replaces alanine, which is neutral and non-polar, with threonine, which is neutral and polar, at codon 1178 of the MAGEL2 protein (p.Ala1178Thr). This variant is present in population databases (rs749213689, gnomAD 0.01%). This missense change has been observed in individual(s) with developmental delay (PMID: 33057194, 35982159). ClinVar contains an entry for this variant (Variation ID: 1986617). Invitae Evidence Modeling of protein sequence and biophysical properties (such as structural, functional, and spatial information, amino acid conservation, physicochemical variation, residue mobility, and thermodynamic stability) indicates that this missense variant is not expected to disrupt MAGEL2 protein function with a negative predictive value of 80%. In summary, the available evidence is currently insufficient to determine the role of this variant in disease. Therefore, it has been classified as a Variant of Uncertain Significance.

PreventionGenetics, part of Exact Sciences
Classification: Uncertain significance for MAGEL2-related condition. Last evaluated: 2025-07-08. Review status: criteria provided, single submitter. Criteria: ACMG Guidelines, 2015. Collection method: clinical testing. Allele origin: germline.
Comment: The MAGEL2 c.3532G>A variant is predicted to result in the amino acid substitution p.Ala1178Thr. This variant has been reported de novo in an individual with a developmental disorder (supplementary Table 1, Kaplanis et al. 2020. PubMed ID: 33057194). This variant is reported in 0.012% of alleles in individuals of African descent in gnomAD. At this time, the clinical significance of this variant is uncertain due to the absence of conclusive functional and genetic evidence.

CeGaT Center for Human Genetics Tuebingen
Classification: Uncertain significance. Last evaluated: 2025-01-01. Review status: criteria provided, single submitter. Criteria: CeGaT Center For Human Genetics Tuebingen Variant Classification Criteria Version 2. Collection method: clinical testing. Allele origin: germline. Affected: yes. Observed: 1 variant allele.
Comment: MAGEL2: PM2:Supporting, BP4

Literature cited by the submitters: PubMed 33057194 (cited by Labcorp Genetics (formerly Invitae), Labcorp); PubMed 35982159 (cited by Labcorp Genetics (formerly Invitae), Labcorp).